The following is an entry in ClinVar:

ClinVar aggregate classification (germline): Pathogenic. Review status: criteria provided, multiple submitters, no conflicts (2 of 4 stars). 3 submissions from 3 submitters: Pathogenic (3). Last evaluated 2026-01-29.

Conditions:
Polyglucosan body myopathy type 2. Identifiers: Orphanet 456369, MedGen C4015452, MONDO:0014526, OMIM 616199.
Glycogen storage disease XV (GSD15). Also called: GLYCOGENIN DEFICIENCY; GSD XV. Identifiers: Orphanet 263297, MedGen C3150754, MONDO:0013291, OMIM 613507.

Allele frequency attached by ClinVar (database versions not stated): ExAC 0.00002; gnomAD 0.00002; gnomAD exomes 0.00002; TOPMed 0.00003.

Submissions (3):

Victorian Clinical Genetics Services, Murdoch Childrens Research Institute
Classification: Pathogenic for Polyglucosan body myopathy type 2. Last evaluated: 2026-01-29. Review status: criteria provided, single submitter. Criteria: ACMG Guidelines, 2015. Collection method: clinical testing. Allele origin: germline.
Comment: This variant is classified as Pathogenic. Evidence in support of pathogenic classification: Variant is predicted to cause nonsense-mediated decay (NMD) and loss of protein (premature termination codon is located at least 54 nucleotides upstream of the final exon-exon junction); Variant is present in gnomAD <0.01 for a recessive condition (v4: 41 heterozygote(s), 0 homozygote(s)); This variant has limited previous evidence of pathogenicity in an unrelated individual(s). This variant has been classified as pathogenic by clinical laboratories in ClinVar; Other NMD-predicted variant(s) comparable to the one identified in this case have very strong previous evidence for pathogenicity (DECIPHER). Additional information: This variant is heterozygous; This gene is associated with autosomal recessive disease; Loss of function is a reported mechanism of disease in this gene and is associated with polyglucosan body myopathy type 2 (MONDO:0014526); Variants in this gene are known to have variable expressivity. Multiple cases have reported abnormal glycogen storage, and varying muscular phenotypes, age of onset, and sometimes severe cardiac disorders (PMIDs: 31791869, 32477874).

Labcorp Genetics (formerly Invitae), Labcorp
Classification: Pathogenic for Polyglucosan body myopathy type 2; Glycogen storage disease XV. Last evaluated: 2022-10-16. Review status: criteria provided, single submitter. Criteria: Invitae Variant Classification Sherloc (09022015). Collection method: clinical testing. Allele origin: germline.
Comment: For these reasons, this variant has been classified as Pathogenic. This premature translational stop signal has been observed in individual(s) with clinical features of glycogen storage disease (PMID: 29264399). This variant is present in population databases (rs777291159, gnomAD 0.004%). This sequence change creates a premature translational stop signal (p.Arg216*) in the GYG1 gene. It is expected to result in an absent or disrupted protein product. Loss-of-function variants in GYG1 are known to be pathogenic (PMID: 20357282, 25272951).

CeGaT Center for Human Genetics Tuebingen
Classification: Pathogenic. Last evaluated: 2022-10-01. Review status: criteria provided, single submitter. Criteria: CeGaT Center For Human Genetics Tuebingen Variant Classification Criteria Version 2. Collection method: clinical testing. Allele origin: germline. Affected: yes. Observed: 1 variant allele.
Comment: GYG1: PVS1, PM2

Literature cited by the submitters: PubMed 32477874 (cited by Victorian Clinical Genetics Services, Murdoch Childrens Research Institute); PubMed 31791869 (cited by Victorian Clinical Genetics Services, Murdoch Childrens Research Institute); PubMed 29264399 (cited by Labcorp Genetics (formerly Invitae), Labcorp); PubMed 20357282 (cited by Labcorp Genetics (formerly Invitae), Labcorp); PubMed 25272951 (cited by Labcorp Genetics (formerly Invitae), Labcorp).

NM_004130.4(GYG1):c.646C>T (p.Arg216Ter)

Gene: GYG1 (glycogenin 1; plus strand). Cytogenetic location: 3q24.
Variant type: single nucleotide variant.
Coding change: c.646C>T on transcript NM_004130.4 (MANE Select); coding-DNA position 646, C replaced by T.
Protein change: p.Arg216Ter; replaces arginine 216 with a stop codon.
Molecular consequence: nonsense. On other transcripts: intron variant (1).
Genome position (GRCh38, 1-based): chr3:149,024,090, C>T. VCF-style: chr3-149024090-C-T. GRCh37 (hg19) VCF-style: chr3-148741877-C-T.
Other names: c.646C>T, p.Arg216Ter (NM_001184720.2); c.609-2670C>T (NM_001184721.2); short protein forms R216*.
Identifiers: ClinVar variation 1879594 (VCV001879594.35), dbSNP rs777291159, ClinGen allele CA2658628.
Genomic context (GRCh38, chr3:149,024,090, plus strand): 5'-TTCAACTTGCGTTCACTTGGCAGGTTTGGTGCAAGTGCCAAAGTTGTGCATTTCCTGGGA[C>T]GAGTCAAACCATGGAATTATACTTATGATCCCAAAACAAAAAGTGTCAAAAGTGAGGCCC-3'